The following is an entry in ClinVar:

NM_182961.4(SYNE1):c.20737C>T (p.Arg6913Cys)

Gene: SYNE1 (spectrin repeat containing nuclear envelope protein 1; minus strand). Cytogenetic location: 6q25.2.
Variant type: single nucleotide variant.
Coding change: c.20737C>T on transcript NM_182961.4 (MANE Select); coding-DNA position 20737, C replaced by T.
Protein change: p.Arg6913Cys; replaces arginine 6913 with cysteine.
Molecular consequence: missense variant.
Genome position (GRCh38, 1-based): chr6:152,232,241, G>A on the plus strand (C>T on the coding strand, the complement: SYNE1 is on the minus strand). VCF-style: chr6-152232241-G-A. GRCh37 (hg19) VCF-style: chr6-152553376-G-A.
Other names: c.20524C>T, p.Arg6842Cys (NM_033071.5); short protein forms R6913C, R6842C.
Identifiers: ClinVar variation 848247 (VCV000848247.49), dbSNP rs142593312, ClinGen allele CA4054335.

ClinVar aggregate classification (germline): Uncertain significance. Review status: criteria provided, multiple submitters, no conflicts (2 of 4 stars). 4 submissions from 4 submitters: Uncertain significance (4). Last evaluated 2025-11-07.

Conditions:
Autosomal recessive ataxia, Beauce type. Also called: SYNE1-Related Autosomal Recessive Cerebellar Ataxia; ATAXIA, RECESSIVE, OF BEAUCE; SYNE1 Deficiency; Spinocerebellar ataxia, autosomal recessive 8. Identifiers: Orphanet 88644, MedGen C1853116, MONDO:0012549, OMIM 610743.
Autosomal recessive myogenic arthrogryposis multiplex congenita. Identifiers: Orphanet 319332, MedGen C4707155, MONDO:0017892.
Emery-Dreifuss muscular dystrophy 4, autosomal dominant (EDMD4). Also called: EMERY-DREIFUSS MUSCULAR DYSTROPHY 4 WITH VARIABLE FEATURES. Identifiers: Orphanet 261, MedGen C2751807, MONDO:0013071, OMIM 612998.

Allele frequency attached by ClinVar (database versions not stated): gnomAD exomes 0.00006 and 0.00008; ExAC 0.00007; ESP Exome Variant Server 0.00008; TOPMed 0.00009; gnomAD 0.00011.
gnomAD v4.1: 103 of 1,613,754 alleles (0.0064%); highest among the groups gnomAD compares: African/African-American, 0.0093%; 1 homozygote.

Submissions (4):

Athena Diagnostics
Classification: Uncertain significance. Last evaluated: 2025-11-07. Review status: criteria provided, single submitter. Criteria: Athena Diagnostics Criteria. Collection method: clinical testing. Allele origin: unknown.
Comment: Available data are insufficient to determine the clinical significance of the variant at this time. The frequency of this variant in the general population is uninformative in assessment of its pathogenicity. Polyphen and MutationTaster yielded discordant predictions regarding whether this amino acid change is damaging to the protein.

Labcorp Genetics (formerly Invitae), Labcorp
Classification: Uncertain significance for Emery-Dreifuss muscular dystrophy 4, autosomal dominant; Autosomal recessive ataxia, Beauce type. Last evaluated: 2025-07-13. Review status: criteria provided, single submitter. Criteria: Invitae Variant Classification Sherloc (09022015). Collection method: clinical testing. Allele origin: germline.
Comment: This sequence change replaces arginine, which is basic and polar, with cysteine, which is neutral and slightly polar, at codon 6842 of the SYNE1 protein (p.Arg6842Cys). This variant is present in population databases (rs142593312, gnomAD 0.01%). This variant has not been reported in the literature in individuals affected with SYNE1-related conditions. ClinVar contains an entry for this variant (Variation ID: 848247). An algorithm developed to predict the effect of missense changes on protein structure and function (PolyPhen-2) suggests that this variant is likely to be disruptive. In summary, the available evidence is currently insufficient to determine the role of this variant in disease. Therefore, it has been classified as a Variant of Uncertain Significance.

Revvity Omics, Revvity
Classification: Uncertain significance. Last evaluated: 2025-01-28. Review status: criteria provided, single submitter. Criteria: ACMG Guidelines, 2015. Collection method: clinical testing. Allele origin: germline.

CeGaT Center for Human Genetics Tuebingen
Classification: Uncertain significance. Last evaluated: 2019-08-01. Review status: criteria provided, single submitter. Criteria: CeGaT Center For Human Genetics Tuebingen Variant Classification Criteria Version 2. Collection method: clinical testing. Allele origin: germline. Affected: yes. Observed: 1 variant allele.